The following is an entry in ClinVar:

NM_015425.6(POLR1A):c.4042_4043delinsCT (p.Lys1348Leu)

Gene: POLR1A (RNA polymerase I subunit A; minus strand). Cytogenetic location: 2p11.2.
Variant type: Indel.
Coding change: c.4042_4043delinsCT on transcript NM_015425.6 (MANE Select); coding-DNA positions 4042 to 4043, AA replaced by CT.
Protein change: p.Lys1348Leu; replaces lysine 1348 with leucine.
Molecular consequence: missense variant.
Genome position (GRCh38, 1-based): chr2:86,033,779-86,033,780, TT replaced by AG on the plus strand (AA replaced by CT on the coding strand, the reverse complement: POLR1A is on the minus strand). VCF-style: chr2-86033779-TT-AG. GRCh37 (hg19) VCF-style: chr2-86260902-TT-AG.
Other names: short protein forms K1348L.
Identifiers: ClinVar variation 1525886 (VCV001525886.6), dbSNP rs2104382643, ClinGen allele CA2573135896.

ClinVar aggregate classification (germline): Uncertain significance (1 of 4 stars; one submission).

Submission:

Labcorp Genetics (formerly Invitae), Labcorp
Classification: Uncertain significance. Last evaluated: 2021-12-02. Review status: criteria provided, single submitter. Criteria: Invitae Variant Classification Sherloc (09022015). Collection method: clinical testing. Allele origin: germline.
Comment: This variant is present in population databases (no rsID available, gnomAD 0.04%). This variant has not been reported in the literature in individuals affected with POLR1A-related conditions. Algorithms developed to predict the effect of missense changes on protein structure and function are either unavailable or do not agree on the potential impact of this missense change (SIFT: "Not Available"; PolyPhen-2: "Possibly Damaging"; Align-GVGD: "Not Available"). In summary, the available evidence is currently insufficient to determine the role of this variant in disease. Therefore, it has been classified as a Variant of Uncertain Significance. This variant, c.4042_4043delinsCT, is a complex sequence change that results in the deletion of 1 and insertion of 1 amino acid(s) in the POLR1A protein (p.Lys1348Leu).